The following is an entry in ClinVar:

ClinVar aggregate classification (germline): Likely benign (1 of 4 stars; one submission).

Allele frequency attached by ClinVar (database versions not stated): gnomAD 0.00203; TOPMed 0.00254; 1000 Genomes Project 0.00280; 1000 Genomes Project 30x 0.00297.

Submission:

CeGaT Center for Human Genetics Tuebingen
Classification: Likely benign. Last evaluated: 2023-06-01. Review status: criteria provided, single submitter. Criteria: CeGaT Center For Human Genetics Tuebingen Variant Classification Criteria Version 2. Collection method: clinical testing. Allele origin: germline. Affected: yes. Observed: 3 variant alleles.
Comment: PRMT7: BS2

NM_019023.5(PRMT7):c.1414-743C>T

Gene: PRMT7 (protein arginine methyltransferase 7; plus strand). Cytogenetic location: 16q22.1.
Variant type: single nucleotide variant.
Coding change: c.1414-743C>T on transcript NM_019023.5 (MANE Select); 743 bases into the intron before coding-DNA position 1414, C replaced by T.
Molecular consequence: intron variant. On other transcripts: non-coding transcript variant (8).
Genome position (GRCh38, 1-based): chr16:68,351,505, C>T. VCF-style: chr16-68351505-C-T. GRCh37 (hg19) VCF-style: chr16-68385408-C-T.
Other names: c.1177-743C>T (NM_001378022.1, NM_001378021.1, NM_001378023.1); c.1414-743C>T (NM_001351143.3, NM_001351144.3, NM_001378018.1 and 1 more transcripts); c.1264-743C>T (NM_001184824.4); c.1207-743C>T (NM_001378020.1).
Identifiers: ClinVar variation 2646657 (VCV002646657.24), dbSNP rs186614235, ClinGen allele CA283245883.